The following is an entry in ClinVar:

ClinVar aggregate classification (germline): Conflicting classifications of pathogenicity. Review status: criteria provided, conflicting classifications (1 of 4 stars). 8 submissions from 8 submitters: Uncertain significance (7); Likely benign (1). Last evaluated 2025-12-17.

Conditions:
Inborn genetic diseases. Identifiers: MedGen C0950123, MeSH D030342.
Bethlem myopathy 1A. Also called: MYOPATHY, BENIGN CONGENITAL, WITH CONTRACTURES; Bethlem myopathy 1; Bethlem Muscular Dystrophy. Identifiers: Orphanet 610, MedGen CN029274, MONDO:0024530, OMIM 158810.

Allele frequency attached by ClinVar (database versions not stated): ESP Exome Variant Server 0.00015; gnomAD 0.00028 and 0.00023; gnomAD exomes 0.00004 and 0.00006; TOPMed 0.00023; ExAC 0.00008.
gnomAD v4.1: 100 of 1,613,866 alleles (0.0062%); highest among the groups gnomAD compares: African/African-American, 0.087%; no homozygotes.

Submissions (8):

Labcorp Genetics (formerly Invitae), Labcorp
Classification: Likely benign for Bethlem myopathy 1A. Last evaluated: 2025-12-17. Review status: criteria provided, single submitter. Criteria: Invitae Variant Classification Sherloc (09022015). Collection method: clinical testing. Allele origin: germline.

Genetic Services Laboratory, University of Chicago
Classification: Uncertain significance. Last evaluated: 2025-11-03. Review status: criteria provided, single submitter. Criteria: ACMG Guidelines, 2015. Collection method: clinical testing. Allele origin: germline.
Comment: DNA sequence analysis of the COL6A3 gene demonstrated a sequence change, c.1150G>A, in exon 4 that results in an amino acid change, p.Ala384Thr. This sequence change does not appear to have been previously described in patients with COL6A3-related disorders and has been described in the gnomAD database with a frequency of 0.064% in the African sub-population (dbSNP rs374267444). The p.Ala384Thr change affects a moderately conserved amino acid residue located in a domain of the COL6A3 protein that is known to be functional. In-silico pathogenicity prediction tools (SIFT, PolyPhen2, Align GVGD, REVEL) provide contradictory results for the p.Ala384Thr substitution. Due to these contrasting evidences and the lack of functional studies, the clinical significance of the p.Ala384Thr change remains unknown at this time.

Mayo Clinic Laboratories, Mayo Clinic
Classification: Uncertain significance. Last evaluated: 2025-08-28. Review status: criteria provided, single submitter. Criteria: ACMG Guidelines, 2015. Collection method: clinical testing. Allele origin: germline. Observed: 1 variant allele.

GeneDx
Classification: Uncertain significance. Last evaluated: 2025-02-27. Review status: criteria provided, single submitter. Criteria: GeneDx Variant Classification Process June 2021. Collection method: clinical testing. Allele origin: germline. Affected: yes.
Comment: In silico analysis indicates that this missense variant does not alter protein structure/function; Has not been previously published as pathogenic or benign to our knowledge

Ambry Genetics
Classification: Uncertain significance for Inborn genetic diseases. Last evaluated: 2024-12-11. Review status: criteria provided, single submitter. Criteria: Ambry Variant Classification Scheme 2023. Collection method: clinical testing. Allele origin: germline.

Blueprint Genetics
Classification: Uncertain significance. Last evaluated: 2024-11-25. Review status: criteria provided, single submitter. Criteria: ACMG Guidelines, 2015. Collection method: clinical testing. Allele origin: germline.

Revvity Omics, Revvity
Classification: Uncertain significance. Last evaluated: 2023-05-10. Review status: criteria provided, single submitter. Criteria: ACMG Guidelines, 2015. Collection method: clinical testing. Allele origin: germline.

Eurofins Ntd Llc (ga)
Classification: Uncertain significance. Last evaluated: 2016-11-10. Review status: criteria provided, single submitter. Criteria: EGL Classification Definitions 2015. Collection method: clinical testing. Allele origin: germline. Observed: 2 variant alleles, 2 heterozygotes.

NM_004369.4(COL6A3):c.1150G>A (p.Ala384Thr)

Gene: COL6A3 (collagen type VI alpha 3 chain; minus strand). Cytogenetic location: 2q37.3.
Variant type: single nucleotide variant.
Coding change: c.1150G>A on transcript NM_004369.4 (MANE Select); coding-DNA position 1150, G replaced by A.
Protein change: p.Ala384Thr; replaces alanine 384 with threonine.
Molecular consequence: missense variant. On other transcripts: intron variant (2).
Genome position (GRCh38, 1-based): chr2:237,387,744, C>T on the plus strand (G>A on the coding strand, the complement: COL6A3 is on the minus strand). VCF-style: chr2-237387744-C-T. GRCh37 (hg19) VCF-style: chr2-238296387-C-T.
Other names: p.Ala384Thr; c.532G>A, p.Ala178Thr (NM_057165.5, NM_057167.4); c.92-6245G>A (NM_057166.5, NM_057164.5); short protein forms A384T, A178T.
Identifiers: ClinVar variation 197233 (VCV000197233.30), dbSNP rs374267444, ClinGen allele CA245244.